The following is an entry in ClinVar:

ClinVar aggregate classification (germline): Likely pathogenic (1 of 4 stars; one submission).

Conditions:
von Willebrand disorder (VWD). Also called: von Willebrand Diseases; Von Willebrand disease (hereditary or acquired); von Willebrand's disease. Identifiers: MedGen C0042974, MeSH D014842, MONDO:0024574.

Submission:

Women's Health and Genetics/Laboratory Corporation of America, LabCorp
Classification: Likely pathogenic for von Willebrand disorder. Last evaluated: 2026-01-13. Review status: criteria provided, single submitter. Criteria: LabCorp Variant Classification Summary - May 2015. Collection method: clinical testing. Allele origin: germline.
Comment: Variant summary: VWF c.1110-24_1111del26 is located in a canonical splice-site and is predicted to affect mRNA splicing resulting in a significantly altered protein due to either exon skipping, shortening, or inclusion of intronic material. Variants that disrupt the consensus splice site are a relatively common cause of aberrant splicing and loss of VWF function. Several computational tools predict a significant impact on normal splicing: Four predict the variant abolishes a 3' acceptor site. However, these predictions have yet to be confirmed by functional studies. The variant was absent in 251060 control chromosomes. To our knowledge, no occurrence of c.1110-24_1111del26 in individuals affected with VWF-related conditions and no experimental evidence demonstrating its impact on protein function have been reported. No submitters have cited clinical-significance assessments for this variant to ClinVar. Based on the evidence outlined above, the variant was classified as likely pathogenic.

NM_000552.5(VWF):c.1110-24_1111del

Gene: VWF (von Willebrand factor; minus strand). Cytogenetic location: 12p13.31.
Variant type: Deletion.
Coding change: c.1110-24_1111del on transcript NM_000552.5 (MANE Select); 24 bases into the intron before coding-DNA position 1110 through coding-DNA position 1111, 26 bases deleted (ACCTGTGCTTTTTCCCTCCAACAGCA).
Molecular consequence: splice acceptor variant.
Genome position (GRCh38, 1-based): chr12:6,071,342-6,071,367, TGCTGTTGGAGGGAAAAAGCACAGGT deleted on the plus strand (ACCTGTGCTTTTTCCCTCCAACAGCA on the coding strand, the reverse complement: VWF is on the minus strand). VCF-style (leftmost placement, unchanged base first): chr12-6071341-ATGCTGTTGGAGGGAAAAAGCACAGGT-A. GRCh37 (hg19) VCF-style: chr12-6180507-ATGCTGTTGGAGGGAAAAAGCACAGGT-A.
Other names: c.1110-24_1111del26 (NM_000552.5).
Identifiers: ClinVar variation 4689429 (VCV004689429.1).